The following is an entry in ClinVar:

ClinVar aggregate classification (germline): Pathogenic (1 of 4 stars; one submission).

Conditions:
Spastic paraplegia. Identifiers: MedGen C0037772, HP:0001258.

Submission:

Labcorp Genetics (formerly Invitae), Labcorp
Classification: Pathogenic for Spastic paraplegia. Last evaluated: 2022-11-18. Review status: criteria provided, single submitter. Criteria: Invitae Variant Classification Sherloc (09022015). Collection method: clinical testing. Allele origin: germline.
Comment: For these reasons, this variant has been classified as Pathogenic. This variant has not been reported in the literature in individuals affected with SLC16A2-related conditions. This variant is not present in population databases (gnomAD no frequency). This sequence change creates a premature translational stop signal (p.Leu3Profs*26) in the SLC16A2 gene. It is expected to result in an absent or disrupted protein product. Loss-of-function variants in SLC16A2 are known to be pathogenic (PMID: 20083155, 25527620).

Literature cited by the submitters: PubMed 20083155; PubMed 25527620.

NM_006517.5(SLC16A2):c.7dup (p.Leu3fs)

Gene: SLC16A2 (solute carrier family 16 member 2; plus strand). Cytogenetic location: Xq13.2.
Variant type: Duplication.
Coding change: c.7dup on transcript NM_006517.5 (MANE Select); coding-DNA position 7, one base duplicated (C; older notation c.7dupC).
Protein change: p.Leu3fs; shifts the reading frame from leucine 3.
Molecular consequence: frameshift variant.
Genome position (GRCh38, 1-based): chrX:74,421,644, C duplicated. VCF-style (leftmost placement, unchanged base first): chrX-74421643-G-GC. GRCh37 (hg19) VCF-style: chrX-73641478-G-GC.
Other names: short protein forms L3fs.
Identifiers: ClinVar variation 2815075 (VCV002815075.3), dbSNP rs2519759057, ClinGen allele CA2739273593.